The following is an entry in ClinVar:

NM_002972.4(SBF1):c.3808G>A (p.Ala1270Thr)

Gene: SBF1 (SET binding factor 1; minus strand). Cytogenetic location: 22q13.33.
Variant type: single nucleotide variant.
Coding change: c.3808G>A on transcript NM_002972.4 (MANE Select); coding-DNA position 3808, G replaced by A.
Protein change: p.Ala1270Thr; replaces alanine 1270 with threonine.
Molecular consequence: missense variant.
Genome position (GRCh38, 1-based): chr22:50,459,273, C>T on the plus strand (G>A on the coding strand, the complement: SBF1 is on the minus strand). VCF-style: chr22-50459273-C-T. GRCh37 (hg19) VCF-style: chr22-50897702-C-T.
Other names: p.Ala1270Thr; c.3808G>A (NM_002972.3); c.3811G>A, p.Ala1271Thr (NM_001365819.1); short protein forms A1270T, A1271T.
Identifiers: ClinVar variation 1495046 (VCV001495046.29), dbSNP rs200910134, ClinGen allele CA10316555.

ClinVar aggregate classification (germline): Conflicting classifications of pathogenicity. Review status: criteria provided, conflicting classifications (1 of 4 stars). 5 submissions from 5 submitters: Uncertain significance (4); Benign (1). Last evaluated 2025-11-06.

Conditions:
Tip-toe gait. Also called: Toe walking. Identifiers: MedGen C0427144, HP:0030051.
Charcot-Marie-Tooth disease type 4B3. Also called: Charcot-Marie-Tooth Neuropathy Type 4B3; CHARCOT-MARIE-TOOTH DISEASE, DEMYELINATING, TYPE 4B3. Identifiers: Orphanet 363981, MedGen C3695063, MONDO:0014117, OMIM 615284.

Allele frequency attached by ClinVar (database versions not stated): gnomAD 0.00013 and 0.00015; ExAC 0.00014; gnomAD exomes 0.00015; 1000 Genomes Project 30x 0.00016; TOPMed 0.00017; 1000 Genomes Project 0.00020; ESP Exome Variant Server 0.00032.
gnomAD v4.1: 321 of 1,606,098 alleles (0.02%); highest among the groups gnomAD compares: Non-Finnish European, 0.026%; no homozygotes.

Submissions (5):

Mayo Clinic Laboratories, Mayo Clinic
Classification: Uncertain significance. Last evaluated: 2025-11-06. Review status: criteria provided, single submitter. Criteria: ACMG Guidelines, 2015. Collection method: clinical testing. Allele origin: germline. Observed: 4 variant alleles.
Comment: BP4

ARUP Laboratories, Molecular Genetics and Genomics, ARUP Laboratories
Classification: Uncertain significance for Charcot-Marie-Tooth disease type 4B3. Last evaluated: 2024-02-23. Review status: criteria provided, single submitter. Criteria: ARUP Molecular Germline Variant Investigation Process 2024. Collection method: clinical testing. Allele origin: germline.
Comment: The SBF1 c.3808G>A; p.Ala1270Thr variant (rs200910134), to our knowledge, is not reported in the medical literature but is reported in ClinVar (Variation ID: 1495046). This variant is found in the general population with an overall allele frequency of 0.01% (41/276570 alleles) in the Genome Aggregation Database (v2.1.1). Computational analyses are uncertain whether this variant is neutral or deleterious (REVEL: 0.201). Due to limited information, the clinical significance of this variant is uncertain at this time.

CeGaT Center for Human Genetics Tuebingen
Classification: Uncertain significance. Last evaluated: 2023-06-01. Review status: criteria provided, single submitter. Criteria: CeGaT Center For Human Genetics Tuebingen Variant Classification Criteria Version 2. Collection method: clinical testing. Allele origin: germline. Affected: yes. Observed: 1 variant allele.
Comment: SBF1: PM2

Labcorp Genetics (formerly Invitae), Labcorp
Classification: Uncertain significance. Last evaluated: 2022-08-13. Review status: criteria provided, single submitter. Criteria: Invitae Variant Classification Sherloc (09022015). Collection method: clinical testing. Allele origin: germline.
Comment: This sequence change replaces alanine, which is neutral and non-polar, with threonine, which is neutral and polar, at codon 1270 of the SBF1 protein (p.Ala1270Thr). This variant is present in population databases (rs200910134, gnomAD 0.03%). This variant has not been reported in the literature in individuals affected with SBF1-related conditions. ClinVar contains an entry for this variant (Variation ID: 1495046). Algorithms developed to predict the effect of missense changes on protein structure and function output the following: SIFT: "Deleterious"; PolyPhen-2: "Benign"; Align-GVGD: "Class C0". The threonine amino acid residue is found in multiple mammalian species, which suggests that this missense change does not adversely affect protein function. In summary, the available evidence is currently insufficient to determine the role of this variant in disease. Therefore, it has been classified as a Variant of Uncertain Significance.

Practice for Gait Abnormalities, David Pomarino, Competency Network Toe Walking C/o Practice Pomarino
Classification: Benign for Tip-toe gait. Last evaluated: 2022-02-25. Review status: criteria provided, single submitter. Criteria: Pomarino et al. (Glob Med Genet. 2026). Collection method: clinical testing. Allele origin: germline. Affected: yes.